The following is an entry in ClinVar:

ClinVar aggregate classification (germline): Conflicting classifications of pathogenicity. Review status: criteria provided, conflicting classifications (1 of 4 stars). 3 submissions from 3 submitters: Pathogenic (2); Uncertain significance (1). Last evaluated 2024-09-25.

Conditions:
Hypophosphatemic rickets, autosomal recessive, 2 (ARHR2). Identifiers: Orphanet 289176, MedGen C2750078, MONDO:0013219, OMIM 613312.
Type 2 diabetes mellitus. Also called: Type II diabetes mellitus. Identifiers: MedGen C0011860, MeSH D003924, MONDO:0005148, OMIM 125853, HP:0005978.
Arterial calcification, generalized, of infancy, 1 (GACI1). Also called: Idiopathic Infantile Arterial Calcification. Identifiers: Orphanet 51608, MedGen C4551985, MONDO:0008817, OMIM 208000.
Inherited obesity. Also called: Monogenic Obesity. Identifiers: Orphanet 77828, MedGen C4054476, MONDO:0019182, OMIM 601665.
Hypopigmentation-punctate palmoplantar keratoderma syndrome. Also called: GUTTATE HYPOPIGMENTATION AND PUNCTATE PALMOPLANTAR KERATODERMA WITH OR WITHOUT ECTOPIC CALCIFICATION; Cole disease. Identifiers: Orphanet 324561, MedGen C3809781, MONDO:0014227, OMIM 615522.

gnomAD v4.1: 126 of 1,613,940 alleles (0.0078%); highest among the groups gnomAD compares: South Asian, 0.015%; 1 homozygote.

Submissions (3):

Blueprint Genetics
Classification: Uncertain significance. Last evaluated: 2024-09-25. Review status: criteria provided, single submitter. Criteria: ACMG Guidelines, 2015. Collection method: clinical testing. Allele origin: germline.

Labcorp Genetics (formerly Invitae), Labcorp
Classification: Pathogenic. Last evaluated: 2024-09-14. Review status: criteria provided, single submitter. Criteria: Invitae Variant Classification Sherloc (09022015). Collection method: clinical testing. Allele origin: germline.
Comment: This sequence change replaces asparagine, which is neutral and polar, with serine, which is neutral and polar, at codon 792 of the ENPP1 protein (p.Asn792Ser). This variant is present in population databases (rs370184526, gnomAD 0.03%), including at least one homozygous and/or hemizygous individual. This missense change has been observed in individual(s) with autosomal recessive generalized arterial calcification of infancy (PMID: 12881724, 20016754). In at least one individual the data is consistent with being in trans (on the opposite chromosome) from a pathogenic variant. Invitae Evidence Modeling of protein sequence and biophysical properties (such as structural, functional, and spatial information, amino acid conservation, physicochemical variation, residue mobility, and thermodynamic stability) indicates that this missense variant is expected to disrupt ENPP1 protein function with a positive predictive value of 80%. Experimental studies have shown that this missense change affects ENPP1 function (PMID: 12881724). For these reasons, this variant has been classified as Pathogenic.

Fulgent Genetics
Classification: Pathogenic for Type 2 diabetes mellitus; Arterial calcification, generalized, of infancy, 1; Inherited obesity; Hypophosphatemic rickets, autosomal recessive, 2; Hypopigmentation-punctate palmoplantar keratoderma syndrome. Last evaluated: 2024-03-18. Review status: criteria provided, single submitter. Criteria: ACMG Guidelines, 2015. Collection method: clinical testing. Allele origin: germline.

Literature cited by the submitters: PubMed 12881724 (cited by Labcorp Genetics (formerly Invitae), Labcorp); PubMed 20016754 (cited by Labcorp Genetics (formerly Invitae), Labcorp).

NM_006208.3(ENPP1):c.2375A>G (p.Asn792Ser)

Gene: ENPP1 (ectonucleotide pyrophosphatase/phosphodiesterase 1; plus strand). Cytogenetic location: 6q23.2.
Variant type: single nucleotide variant.
Coding change: c.2375A>G on transcript NM_006208.3 (MANE Select); coding-DNA position 2375, A replaced by G.
Protein change: p.Asn792Ser; replaces asparagine 792 with serine.
Molecular consequence: missense variant.
Genome position (GRCh38, 1-based): chr6:131,884,994, A>G. VCF-style: chr6-131884994-A-G. GRCh37 (hg19) VCF-style: chr6-132206134-A-G.
Other names: short protein forms N792S.
Identifiers: ClinVar variation 3593097 (VCV003593097.4).